The following is an entry in ClinVar:

ClinVar aggregate classification (germline): Likely benign. Review status: criteria provided, multiple submitters, no conflicts (2 of 4 stars). 4 submissions from 4 submitters: Likely benign (3). 1 of the submissions does not count toward it. Last evaluated 2024-10-10.

Conditions:
Menke-Hennekam syndrome 1 (MKHK1). Identifiers: MedGen C5193034, MONDO:0020763, OMIM 618332.
Rubinstein-Taybi syndrome due to CREBBP mutations (RSTS1). Also called: RUBINSTEIN-TAYBI SYNDROME 1, INCOMPLETE; RUBINSTEIN SYNDROME; BROAD THUMB-HALLUX SYNDROME; CREBBP-Related Rubinstein-Taybi Syndrome; Rubinstein-Taybi syndrome 1; BROAD THUMBS AND GREAT TOES, CHARACTERISTIC FACIES, AND IMPAIRED INTELLECTUAL DEVELOPMENT. Identifiers: Orphanet 353277, Orphanet 783, MedGen C4551859, MONDO:0008393, OMIM 180849.
CREBBP-related disorder. Also called: CREBBP-related condition; CREBBP-related disorders.
Rubinstein-Taybi syndrome (RSTS). Identifiers: Orphanet 783, MedGen C0035934, MONDO:0019188.

Allele frequency attached by ClinVar (database versions not stated): gnomAD exomes below 0.00001; ExAC 0.00001; TOPMed 0.00001; gnomAD 0.00003 and 0.00004.
gnomAD v4.1: 17 of 1,612,684 alleles (0.0011%); highest among the groups gnomAD compares: African/African-American, 0.008%; no homozygotes.

Submissions (4):

Blueprint Genetics
Classification: Likely benign. Last evaluated: 2024-10-10. Review status: criteria provided, single submitter. Criteria: ACMG Guidelines, 2015. Collection method: clinical testing. Allele origin: germline.

Labcorp Genetics (formerly Invitae), Labcorp
Classification: Likely benign for Rubinstein-Taybi syndrome. Last evaluated: 2023-07-07. Review status: criteria provided, single submitter. Criteria: Invitae Variant Classification Sherloc (09022015). Collection method: clinical testing. Allele origin: germline.

Fulgent Genetics
Classification: Likely benign for Rubinstein-Taybi syndrome due to CREBBP mutations; Menke-Hennekam syndrome 1. Last evaluated: 2022-01-05. Review status: criteria provided, single submitter. Criteria: ACMG Guidelines, 2015. Collection method: clinical testing. Allele origin: unknown.

PreventionGenetics, part of Exact Sciences
Classification: Likely benign for CREBBP-related condition. Last evaluated: 2022-05-16. Review status: no assertion criteria provided. Collection method: clinical testing. Allele origin: germline. Not counted in ClinVar's aggregate classification.
Comment: This variant is classified as likely benign based on ACMG/AMP sequence variant interpretation guidelines (Richards et al. 2015 PMID: 25741868, with internal and published modifications).

NM_004380.3(CREBBP):c.6795G>A (p.Ala2265=)

Gene: CREBBP (CREB binding lysine acetyltransferase; minus strand). Cytogenetic location: 16p13.3.
Variant type: single nucleotide variant.
Coding change: c.6795G>A on transcript NM_004380.3 (MANE Select); coding-DNA position 6795, G replaced by A.
Protein change: p.Ala2265=; no amino-acid change (alanine 2265 retained).
Molecular consequence: synonymous variant.
Genome position (GRCh38, 1-based): chr16:3,728,252, C>T on the plus strand (G>A on the coding strand, the complement: CREBBP is on the minus strand). VCF-style: chr16-3728252-C-T. GRCh37 (hg19) VCF-style: chr16-3778253-C-T.
Other names: c.6681G>A, p.Ala2227= (NM_001079846.1).
Identifiers: ClinVar variation 739510 (VCV000739510.10), dbSNP rs748072121, ClinGen allele CA7868996.